The following is an entry in ClinVar:

ClinVar aggregate classification (germline): Uncertain significance (1 of 4 stars; one submission).

Conditions:
Hereditary cancer-predisposing syndrome. Also called: Neoplastic Syndromes, Hereditary; Tumor predisposition; Hereditary neoplastic syndrome; Hereditary Cancer Syndrome. Identifiers: Orphanet 140162, MedGen C0027672, MeSH D009386, MONDO:0015356.

Submission:

Ambry Genetics
Classification: Uncertain significance for Hereditary cancer-predisposing syndrome. Last evaluated: 2026-08-21. Review status: criteria provided, single submitter. Criteria: Ambry Variant Classification Scheme 2023. Collection method: clinical testing. Allele origin: germline.
Comment: The p.H189N variant (also known as c.565C>A), located in coding exon 3 of the PTCH1 gene, results from a C to A substitution at nucleotide position 565. The histidine at codon 189 is replaced by asparagine, an amino acid with similar properties. This amino acid position is conserved. In addition, the in silico prediction for this alteration is inconclusive. Based on the available evidence, the clinical significance of this variant remains unclear.

NM_000264.5(PTCH1):c.565C>A (p.His189Asn)

Gene: PTCH1 (patched 1; minus strand). Cytogenetic location: 9q22.32.
Variant type: single nucleotide variant.
Coding change: c.565C>A on transcript NM_000264.5 (MANE Select); coding-DNA position 565, C replaced by A.
Protein change: p.His189Asn; replaces histidine 189 with asparagine.
Molecular consequence: missense variant. On other transcripts: non-coding transcript variant (1).
Genome position (GRCh38, 1-based): chr9:95,485,704, G>T on the plus strand (C>A on the coding strand, the complement: PTCH1 is on the minus strand). VCF-style: chr9-95485704-G-T. GRCh37 (hg19) VCF-style: chr9-98247986-G-T.
Other names: c.565C>A, p.His189Asn (NM_001354918.2); c.367C>A, p.His123Asn (NM_001354919.2, NM_001083602.3); c.562C>A, p.His188Asn (NM_001083603.3); c.112C>A, p.His38Asn (NM_001083604.3, NM_001083605.3, NM_001083606.3 and 1 more transcripts); short protein forms H123N, H188N, H38N, H189N.
Identifiers: ClinVar variation 5027553 (VCV005027553.1).